The following is an entry in ClinVar:

ClinVar aggregate classification (germline): Likely benign. Review status: criteria provided, multiple submitters, no conflicts (2 of 4 stars). 2 submissions from 2 submitters: Likely benign (2). Last evaluated 2025-05-13.

Allele frequency attached by ClinVar (database versions not stated): gnomAD 0.00003.

Submissions (2):

Labcorp Genetics (formerly Invitae), Labcorp
Classification: Likely benign. Last evaluated: 2025-05-13. Review status: criteria provided, single submitter. Criteria: Invitae Variant Classification Sherloc (09022015). Collection method: clinical testing. Allele origin: germline.

CeGaT Center for Human Genetics Tuebingen
Classification: Likely benign. Last evaluated: 2024-08-01. Review status: criteria provided, single submitter. Criteria: CeGaT Center For Human Genetics Tuebingen Variant Classification Criteria Version 2. Collection method: clinical testing. Allele origin: germline. Affected: yes. Observed: 1 variant allele.
Comment: HTRA1: BP4, BP7

NM_002775.5(HTRA1):c.1230A>C (p.Ser410=)

Gene: HTRA1 (HtrA serine peptidase 1; plus strand). Cytogenetic location: 10q26.13.
Variant type: single nucleotide variant.
Coding change: c.1230A>C on transcript NM_002775.5 (MANE Select); coding-DNA position 1230, A replaced by C.
Protein change: p.Ser410=; no amino-acid change (serine 410 retained).
Molecular consequence: synonymous variant.
Genome position (GRCh38, 1-based): chr10:122,512,021, A>C. VCF-style: chr10-122512021-A-C. GRCh37 (hg19) VCF-style: chr10-124271537-A-C.
Identifiers: ClinVar variation 2106920 (VCV002106920.20), dbSNP rs1428315046, ClinGen allele CA471667303.